The following is an entry in ClinVar:

ClinVar aggregate classification (germline): Uncertain significance. Review status: criteria provided, multiple submitters, no conflicts (2 of 4 stars). 2 submissions from 2 submitters: Uncertain significance (2). Last evaluated 2023-12-08.

Conditions:
Inborn genetic diseases. Identifiers: MedGen C0950123, MeSH D030342.

Allele frequency attached by ClinVar (database versions not stated): gnomAD 0.00001; gnomAD exomes 0.00001; TOPMed 0.00002; ESP Exome Variant Server 0.00008.
gnomAD v4.1: 8 of 1,613,826 alleles (0.0005%); highest among the groups gnomAD compares: Non-Finnish European, 0.00068%; no homozygotes.

Submissions (2):

Ambry Genetics
Classification: Uncertain significance for Inborn genetic diseases. Last evaluated: 2023-12-08. Review status: criteria provided, single submitter. Criteria: Ambry Variant Classification Scheme 2023. Collection method: clinical testing. Allele origin: germline.

Labcorp Genetics (formerly Invitae), Labcorp
Classification: Uncertain significance. Last evaluated: 2023-05-09. Review status: criteria provided, single submitter. Criteria: Invitae Variant Classification Sherloc (09022015). Collection method: clinical testing. Allele origin: germline.
Comment: This sequence change replaces arginine, which is basic and polar, with histidine, which is basic and polar, at codon 1789 of the SPTB protein (p.Arg1789His). This variant is present in population databases (rs139477432, gnomAD 0.007%). This variant has not been reported in the literature in individuals affected with SPTB-related conditions. An algorithm developed to predict the effect of missense changes on protein structure and function (PolyPhen-2) suggests that this variant is likely to be disruptive. In summary, the available evidence is currently insufficient to determine the role of this variant in disease. Therefore, it has been classified as a Variant of Uncertain Significance.

NM_001355436.2(SPTB):c.5366G>A (p.Arg1789His)

Gene: SPTB (spectrin beta, erythrocytic; minus strand). Cytogenetic location: 14q23.3.
Variant type: single nucleotide variant.
Coding change: c.5366G>A on transcript NM_001355436.2 (MANE Select); coding-DNA position 5366, G replaced by A.
Protein change: p.Arg1789His; replaces arginine 1789 with histidine.
Molecular consequence: missense variant.
Genome position (GRCh38, 1-based): chr14:64,772,767, C>T on the plus strand (G>A on the coding strand, the complement: SPTB is on the minus strand). VCF-style: chr14-64772767-C-T. GRCh37 (hg19) VCF-style: chr14-65239485-C-T.
Other names: NM_000347.5:c.5366G>A; c.5366G>A, p.Arg1789His (NM_001024858.4, NM_001355437.2); short protein forms R1789H.
Identifiers: ClinVar variation 2988949 (VCV002988949.4), dbSNP rs139477432, ClinGen allele CA262689089.